The following is an entry in ClinVar:

ClinVar aggregate classification (germline): Uncertain significance (1 of 4 stars; one submission).

Submission:

Ambry Genetics
Classification: Uncertain significance. Last evaluated: 2024-04-05. Review status: criteria provided, single submitter. Criteria: Ambry Variant Classification Scheme 2023. Collection method: clinical testing. Allele origin: germline.
Comment: The p.T117R variant (also known as c.350C>G), located in coding exon 3 of the POLQ gene, results from a C to G substitution at nucleotide position 350. The threonine at codon 117 is replaced by arginine, an amino acid with similar properties. This amino acid position is conserved. In addition, this alteration is predicted to be deleterious by in silico analysis. Based on the available evidence, the clinical significance of this variant remains unclear.

NM_199420.4(POLQ):c.350C>G (p.Thr117Arg)

Gene: POLQ (DNA polymerase theta; minus strand). Cytogenetic location: 3q13.33.
Variant type: single nucleotide variant.
Coding change: c.350C>G on transcript NM_199420.4 (MANE Select); coding-DNA position 350, C replaced by G.
Protein change: p.Thr117Arg; replaces threonine 117 with arginine.
Molecular consequence: missense variant.
Genome position (GRCh38, 1-based): chr3:121,541,473, G>C on the plus strand (C>G on the coding strand, the complement: POLQ is on the minus strand). VCF-style: chr3-121541473-G-C. GRCh37 (hg19) VCF-style: chr3-121260320-G-C.
Other names: short protein forms T117R.
Identifiers: ClinVar variation 3308620 (VCV003308620.1).
Genomic context (GRCh38, chr3:121,541,473, plus strand): 5'-CGCATTTCCAAAACCCGCTTCAAAATAAGTAATTCTGCCACAAGAGTCTTCCCAGCACTT[G>C]TAGGAGCTAAAACATGATTATTCCACAAGATTATAAGAAAAAAGTAATATTCGGTACAAT-3'
Protein context (NP_955452.3, residues 107-127): EGKNLVYSAP[Thr117Arg]SAGKTLVAEL